The following is an entry in ClinVar:

ClinVar aggregate classification (germline): Likely benign. Review status: criteria provided, multiple submitters, no conflicts (2 of 4 stars). 2 submissions from 2 submitters: Likely benign (2). Last evaluated 2026-09-01.

Allele frequency attached by ClinVar (database versions not stated): 1000 Genomes Project 30x 0.00016; ESP Exome Variant Server 0.00092.

Submissions (2):

CeGaT Center for Human Genetics Tuebingen
Classification: Likely benign. Last evaluated: 2026-09-01. Review status: criteria provided, single submitter. Criteria: CeGaT Center For Human Genetics Tuebingen Variant Classification Criteria Version 2. Collection method: clinical testing. Allele origin: germline. Affected: yes. Observed: 1 variant allele.
Comment: GUK1: BP4, BS2

Ambry Genetics
Classification: Likely benign. Last evaluated: 2021-12-07. Review status: criteria provided, single submitter. Criteria: Ambry Variant Classification Scheme 2023. Collection method: clinical testing. Allele origin: germline.

NM_001159390.2(GUK1):c.*27G>C

Gene: GUK1 (guanylate kinase 1; plus strand). Cytogenetic location: 1q42.13.
Variant type: single nucleotide variant.
Coding change: c.*27G>C on transcript NM_001159390.2 (MANE Select); 27 bases downstream of the stop codon, G replaced by C.
Molecular consequence: 3 prime UTR variant. On other transcripts: missense variant (1).
Genome position (GRCh38, 1-based): chr1:228,148,724, G>C. VCF-style: chr1-228148724-G-C. GRCh37 (hg19) VCF-style: chr1-228336425-G-C.
Other names: c.*27G>C (NM_000858.7, NM_001159391.3, NM_001242839.1); c.598G>C, p.Gly200Arg (NM_001242840.3); short protein forms G200R.
Identifiers: ClinVar variation 2386080 (VCV002386080.4), dbSNP rs72756242, ClinGen allele CA1430747.